The following is an entry in ClinVar:

ClinVar aggregate classification (germline): Uncertain significance (1 of 4 stars; one submission).

Conditions:
Severe combined immunodeficiency due to DNA-PKcs deficiency. Also called: IMMUNODEFICIENCY 26 WITH NEUROLOGIC ABNORMALITIES; Immunodeficiency 26 with or without neurologic abnormalities. Identifiers: Orphanet 317425, MedGen C4014833, MONDO:0014423, OMIM 615966.

Allele frequency attached by ClinVar (database versions not stated): ExAC 0.00001; gnomAD 0.00001; gnomAD exomes 0.00001; 1000 Genomes Project 0.00040; 1000 Genomes Project 30x 0.00047.
gnomAD v4.1: 3 of 1,538,300 alleles (0.0002%); highest among the groups gnomAD compares: East Asian, 0.0068%; no homozygotes.

Submission:

Labcorp Genetics (formerly Invitae), Labcorp
Classification: Uncertain significance for Severe combined immunodeficiency due to DNA-PKcs deficiency. Last evaluated: 2021-05-25. Review status: criteria provided, single submitter. Criteria: Invitae Variant Classification Sherloc (09022015). Collection method: clinical testing. Allele origin: germline.
Comment: This sequence change replaces valine with methionine at codon 3373 of the PRKDC protein (p.Val3373Met). The valine residue is moderately conserved and there is a small physicochemical difference between valine and methionine. This variant is present in population databases (rs117539862, ExAC 0.01%). This variant has not been reported in the literature in individuals with PRKDC-related conditions. Experimental studies and prediction algorithms are not available or were not evaluated, and the functional significance of this variant is currently unknown. In summary, the available evidence is currently insufficient to determine the role of this variant in disease. Therefore, it has been classified as a Variant of Uncertain Significance.

NM_006904.7(PRKDC):c.10117G>A (p.Val3373Met)

Gene: PRKDC (protein kinase, DNA-activated, catalytic subunit; minus strand). Cytogenetic location: 8q11.21.
Variant type: single nucleotide variant.
Coding change: c.10117G>A on transcript NM_006904.7 (MANE Select); coding-DNA position 10117, G replaced by A.
Protein change: p.Val3373Met; replaces valine 3373 with methionine.
Molecular consequence: missense variant.
Genome position (GRCh38, 1-based): chr8:47,799,390, C>T on the plus strand (G>A on the coding strand, the complement: PRKDC is on the minus strand). VCF-style: chr8-47799390-C-T. GRCh37 (hg19) VCF-style: chr8-48711951-C-T.
Other names: c.10117G>A, p.Val3373Met (NM_001081640.2); short protein forms V3373M.
Identifiers: ClinVar variation 1493873 (VCV001493873.3), dbSNP rs117539862, ClinGen allele CA4739389.